The following is an entry in ClinVar:

ClinVar aggregate classification (germline): Conflicting classifications of pathogenicity. Review status: criteria provided, conflicting classifications (1 of 4 stars). 5 submissions from 5 submitters: Uncertain significance (3); Likely benign (1). 1 of the submissions does not count toward it. Last evaluated 2026-06-12.

Conditions:
GLI2-related disorder. Also called: GLI2-related disorders; GLI2-related condition.
Holoprosencephaly 9 (HPE9). Also called: HOLOPROSENCEPHALY WITH MICROPHTHALMIA AND FIRST BRANCHIAL ARCH ANOMALIES; PITUITARY ANOMALIES WITH HOLOPROSENCEPHALY-LIKE FEATURES. Identifiers: Orphanet 2162, MedGen C1835819, MONDO:0012563, OMIM 610829.

Allele frequency attached by ClinVar (database versions not stated): gnomAD exomes 0.00006 and 0.00009; gnomAD 0.00008 and 0.00009; TOPMed 0.00008; ExAC 0.00011.
gnomAD v4.1: 102 of 1,613,688 alleles (0.0063%); highest among the groups gnomAD compares: Non-Finnish European, 0.00059%; no homozygotes.

Submissions (5):

Women's Health and Genetics/Laboratory Corporation of America, LabCorp
Classification: Uncertain significance. Last evaluated: 2026-06-12. Review status: criteria provided, single submitter. Criteria: LabCorp Variant Classification Summary - May 2015. Collection method: clinical testing. Allele origin: germline.
Comment: Variant summary: GLI2 c.88A>C (p.Lys30Gln) results in a conservative amino acid change in the encoded protein sequence. Algorithms developed to predict the effect of missense changes on protein structure and function are either unavailable or do not agree on the potential impact of this missense change. The variant allele was found at a frequency of 9.2e-05 in 251214 control chromosomes. This frequency is not significantly higher than estimated for disease-causing variants in GLI2, allowing no conclusion about variant significance. To our knowledge, no occurrence of c.88A>C in individuals affected with GLI2-related conditions and no experimental evidence demonstrating its impact on protein function have been reported. ClinVar contains an entry for this variant (Variation ID: 419104). Based on the evidence outlined above, the variant was classified as uncertain significance.

Blueprint Genetics
Classification: Likely benign. Last evaluated: 2024-10-25. Review status: criteria provided, single submitter. Criteria: ACMG Guidelines, 2015. Collection method: clinical testing. Allele origin: germline.

GeneDx
Classification: Uncertain significance. Last evaluated: 2023-03-03. Review status: criteria provided, single submitter. Criteria: GeneDx Variant Classification Process June 2021. Collection method: clinical testing. Allele origin: germline. Affected: yes.
Comment: In silico analysis supports that this missense variant does not alter protein structure/function; Has not been previously published as pathogenic or benign to our knowledge

Illumina Laboratory Services, Illumina
Classification: Uncertain significance for Holoprosencephaly 9. Last evaluated: 2018-01-12. Review status: criteria provided, single submitter. Criteria: ICSL Variant Classification Criteria 13 December 2019. Collection method: clinical testing. Allele origin: germline.

PreventionGenetics, part of Exact Sciences
Classification: Likely benign for GLI2-related condition. Last evaluated: 2019-07-11. Review status: no assertion criteria provided. Collection method: clinical testing. Allele origin: germline. Not counted in ClinVar's aggregate classification.
Comment: This variant is classified as likely benign based on ACMG/AMP sequence variant interpretation guidelines (Richards et al. 2015 PMID: 25741868, with internal and published modifications).

NM_001374353.1(GLI2):c.88A>C (p.Lys30Gln)

Gene: GLI2 (GLI family zinc finger 2; plus strand). Cytogenetic location: 2q14.2.
Variant type: single nucleotide variant.
Coding change: c.88A>C on transcript NM_001374353.1 (MANE Select); coding-DNA position 88, A replaced by C.
Protein change: p.Lys30Gln; replaces lysine 30 with glutamine.
Molecular consequence: missense variant. On other transcripts: 5 prime UTR variant (1).
Genome position (GRCh38, 1-based): chr2:120,797,408, A>C. VCF-style: chr2-120797408-A-C. GRCh37 (hg19) VCF-style: chr2-121554984-A-C.
Other names: c.88A>C, p.Lys30Gln (NM_001371271.1, NM_005270.5); c.-182A>C (NM_001374354.1); short protein forms K30Q.
Identifiers: ClinVar variation 419104 (VCV000419104.11), dbSNP rs201053024, ClinGen allele CA1851397.
Genomic context (GRCh38, chr2:120,797,408, plus strand): 5'-TCCGAGAAGCAAGAAGCCAAAAGTGGGATCCTGGAGGCCGCTGGCTTCCCCGACCCGGGT[A>C]AAAAGGCCTCTCCTTTGGTGGTGGCTGCAGCGGCAGCAGCAGCGGTAGCTGCCCAAGGAG-3'
Protein context (NP_001361282.1, residues 20-40): LEAAGFPDPG[Lys30Gln]KASPLVVAAA